The following is an entry in ClinVar:

NM_001098.3(ACO2):c.190A>T (p.Thr64Ser)

Gene: ACO2 (aconitase 2; plus strand). Cytogenetic location: 22q13.2.
Variant type: single nucleotide variant.
Coding change: c.190A>T on transcript NM_001098.3 (MANE Select); coding-DNA position 190, A replaced by T.
Protein change: p.Thr64Ser; replaces threonine 64 with serine.
Molecular consequence: missense variant.
Genome position (GRCh38, 1-based): chr22:41,507,807, A>T. VCF-style: chr22-41507807-A-T. GRCh37 (hg19) VCF-style: chr22-41903811-A-T.
Other names: short protein forms T64S.
Identifiers: ClinVar variation 4763321 (VCV004763321.1).

ClinVar aggregate classification (germline): Uncertain significance (1 of 4 stars; one submission).

gnomAD v4.1: 8 of 1,613,892 alleles (0.0005%); highest among the groups gnomAD compares: East Asian, 0.016%; no homozygotes.

Submission:

Labcorp Genetics (formerly Invitae), Labcorp
Classification: Uncertain significance. Last evaluated: 2025-11-12. Review status: criteria provided, single submitter. Criteria: Invitae Variant Classification Sherloc (09022015). Collection method: clinical testing. Allele origin: germline.
Comment: This sequence change replaces threonine, which is neutral and polar, with serine, which is neutral and polar, at codon 64 of the ACO2 protein (p.Thr64Ser). This variant is present in population databases (rs775780883, gnomAD 0.01%). This variant has not been reported in the literature in individuals affected with ACO2-related conditions. Invitae Evidence Modeling of protein sequence and biophysical properties (such as structural, functional, and spatial information, amino acid conservation, physicochemical variation, residue mobility, and thermodynamic stability) indicates that this missense variant is not expected to disrupt ACO2 protein function with a negative predictive value of 80%. In summary, the available evidence is currently insufficient to determine the role of this variant in disease. Therefore, it has been classified as a Variant of Uncertain Significance.